The following is an entry in ClinVar:

ClinVar aggregate classification (germline): Uncertain significance (1 of 4 stars; one submission).

Submission:

Labcorp Genetics (formerly Invitae), Labcorp
Classification: Uncertain significance. Last evaluated: 2021-10-13. Review status: criteria provided, single submitter. Criteria: Invitae Variant Classification Sherloc (09022015). Collection method: clinical testing. Allele origin: germline.
Comment: This variant is not present in population databases (ExAC no frequency). This variant has not been reported in the literature in individuals affected with HEPACAM-related conditions. Algorithms developed to predict the effect of missense changes on protein structure and function (SIFT, PolyPhen-2, Align-GVGD) all suggest that this variant is likely to be disruptive. In summary, the available evidence is currently insufficient to determine the role of this variant in disease. Therefore, it has been classified as a Variant of Uncertain Significance. This sequence change replaces leucine with proline at codon 253 of the HEPACAM protein (p.Leu253Pro). The leucine residue is highly conserved and there is a moderate physicochemical difference between leucine and proline.

NM_152722.5(HEPACAM):c.758T>C (p.Leu253Pro)

Gene: HEPACAM (hepatic and glial cell adhesion molecule; minus strand). Cytogenetic location: 11q24.2.
Variant type: single nucleotide variant.
Coding change: c.758T>C on transcript NM_152722.5 (MANE Select); coding-DNA position 758, T replaced by C.
Protein change: p.Leu253Pro; replaces leucine 253 with proline.
Molecular consequence: missense variant.
Genome position (GRCh38, 1-based): chr11:124,923,385, A>G on the plus strand (T>C on the coding strand, the complement: HEPACAM is on the minus strand). VCF-style: chr11-124923385-A-G. GRCh37 (hg19) VCF-style: chr11-124793281-A-G.
Other names: short protein forms L253P.
Identifiers: ClinVar variation 1386626 (VCV001386626.6), dbSNP rs2135398465, ClinGen allele CA383140285.
Genomic context (GRCh38, chr11:124,923,385, plus strand): 5'-GAGAGTTACCCAGACCTTTTGGAGGGTTTCCAGCAGGCACAGACTGTCACCAAGGTCACA[A>G]GGAGGAAGATGCCTCCTGTAGACAAGATGATGTAAAGGGAGCTTCTTCCTAGGGAGAGAG-3'
Protein context (NP_689935.2, residues 243-263): IILSTGGIFL[Leu253Pro]VTLVTVCACW